The following is an entry in ClinVar:

ClinVar aggregate classification (germline): Benign. Review status: criteria provided, multiple submitters, no conflicts (2 of 4 stars). 3 submissions from 3 submitters: Benign (3). Last evaluated 2026-01-23.

Conditions:
Bartter disease type 3. Also called: Bartter syndrome type 3. Identifiers: Orphanet 112, Orphanet 93605, MedGen C1846343, MONDO:0011822, OMIM 607364.

Allele frequency attached by ClinVar (database versions not stated): 1000 Genomes Project 30x 0.00031; 1000 Genomes Project 0.00040; ESP Exome Variant Server 0.00062; TOPMed 0.00102; ExAC 0.00200; gnomAD 0.00204 and 0.00215.
gnomAD v4.1: 2,821 of 1,613,706 alleles (0.17%); highest among the groups gnomAD compares: Non-Finnish European, 0.14%; 7 homozygotes.

Submissions (3):

Labcorp Genetics (formerly Invitae), Labcorp
Classification: Benign. Last evaluated: 2026-01-23. Review status: criteria provided, single submitter. Criteria: Invitae Variant Classification Sherloc (09022015). Collection method: clinical testing. Allele origin: germline.

Centre for Mendelian Genomics, University Medical Centre Ljubljana
Classification: Benign for Bartter disease type 3. Last evaluated: 2018-11-08. Review status: criteria provided, single submitter. Criteria: ACMG Guidelines, 2015. Collection method: clinical testing. Allele origin: unknown. Affected: yes.
Comment: This variant was classified as: Benign. The following ACMG criteria were applied in classifying this variant: BS1,BS2.

Breakthrough Genomics
Classification: Benign. Review status: criteria provided, single submitter. Criteria: ACMG Guidelines, 2015. Collection method: not provided. Allele origin: germline. Inheritance: Autosomal recessive inheritance. Affected: yes.

NM_000085.5(CLCNKB):c.1729G>A (p.Ala577Thr)

Genes: CLCNKB (chloride voltage-gated channel Kb; plus strand), LOC106501713 (CLCNKB recombination region; plus strand). Cytogenetic location: 1p36.13.
Variant type: single nucleotide variant.
Coding change: c.1729G>A on transcript NM_000085.5 (MANE Select); coding-DNA position 1729, G replaced by A.
Protein change: p.Ala577Thr; replaces alanine 577 with threonine.
Molecular consequence: missense variant.
Genome position (GRCh38, 1-based): chr1:16,053,745, G>A. VCF-style: chr1-16053745-G-A. GRCh37 (hg19) VCF-style: chr1-16380240-G-A.
Other names: c.1222G>A, p.Ala408Thr (NM_001165945.2); short protein forms A408T, A577T.
Identifiers: ClinVar variation 930947 (VCV000930947.12), dbSNP rs189960510, ClinGen allele CA623991.